The following is an entry in ClinVar:

NM_001081550.2(THOC2):c.1828G>A (p.Asp610Asn)

Gene: THOC2 (THO complex subunit 2; minus strand). Cytogenetic location: Xq25.
Variant type: single nucleotide variant.
Coding change: c.1828G>A on transcript NM_001081550.2 (MANE Select); coding-DNA position 1828, G replaced by A.
Protein change: p.Asp610Asn; replaces aspartic acid 610 with asparagine.
Molecular consequence: missense variant.
Genome position (GRCh38, 1-based): chrX:123,638,946, C>T on the plus strand (G>A on the coding strand, the complement: THOC2 is on the minus strand). VCF-style: chrX-123638946-C-T. GRCh37 (hg19) VCF-style: chrX-122772797-C-T.
Other names: c.1828G>A, p.Asp610Asn (NM_001441235.1, NM_001441236.1); short protein forms D610N.
Identifiers: ClinVar variation 4982838 (VCV004982838.1).

ClinVar aggregate classification (germline): Uncertain significance (1 of 4 stars; one submission).

Conditions:
THOC2-related disorder. Also called: THOC2-related condition.

Submission:

PreventionGenetics, part of Exact Sciences
Classification: Uncertain significance for THOC2-related condition. Last evaluated: 2026-07-20. Review status: criteria provided, single submitter. Criteria: ACMG Guidelines, 2015. Collection method: clinical testing. Allele origin: germline.
Comment: The THOC2 c.1828G>A variant is predicted to result in the amino acid substitution p.Asp610Asn. To our knowledge, this variant has not been reported in the literature or in a large population database (gnomAD), indicating this variant is rare. At this time, the clinical significance of this variant is uncertain due to the absence of conclusive functional and genetic evidence.